The following is an entry in ClinVar:

ClinVar aggregate classification (germline): Uncertain significance (1 of 4 stars; one submission).

Conditions:
Cardiovascular phenotype. Identifiers: MedGen CN230736.

Allele frequency attached by ClinVar (database versions not stated): gnomAD exomes below 0.00001; TOPMed 0.00001.

Submission:

Ambry Genetics
Classification: Uncertain significance for Cardiovascular phenotype. Last evaluated: 2025-08-05. Review status: criteria provided, single submitter. Criteria: Ambry Variant Classification Scheme 2023. Collection method: clinical testing. Allele origin: germline.
Comment: The p.R11K variant (also known as c.32G>A), located in coding exon 1 of the FHL1 gene, results from a G to A substitution at nucleotide position 32. The arginine at codon 11 is replaced by lysine, an amino acid with highly similar properties. Based on data from gnomAD, the A allele has an overall frequency of 0.0005% (1/183479) total alleles studied, with 0 hemizygote(s) observed. The highest observed frequency was 0.0012% (1/81922) of European (non-Finnish) alleles. This amino acid position is conserved. In addition, this alteration is predicted to be tolerated by in silico analysis. Since supporting evidence is limited at this time, the clinical significance of this alteration remains unclear.

NM_001159699.2(FHL1):c.80G>A (p.Arg27Lys)

Gene: FHL1 (four and a half LIM domains 1; plus strand). Cytogenetic location: Xq26.3.
Variant type: single nucleotide variant.
Coding change: c.80G>A on transcript NM_001159699.2 (MANE Select); coding-DNA position 80, G replaced by A.
Protein change: p.Arg27Lys; replaces arginine 27 with lysine.
Molecular consequence: missense variant. On other transcripts: non-coding transcript variant (1).
Genome position (GRCh38, 1-based): chrX:136,206,464, G>A. VCF-style: chrX-136206464-G-A. GRCh37 (hg19) VCF-style: chrX-135288623-G-A.
Other names: c.32G>A, p.Arg11Lys (NM_001159700.2, NM_001159702.3, NM_001159703.2 and 9 more transcripts); c.119G>A, p.Arg40Lys (NM_001159701.2); c.80G>A, p.Arg27Lys (NM_001330659.2); short protein forms R40K, R27K, R11K.
Identifiers: ClinVar variation 2450877 (VCV002450877.3), dbSNP rs1449701149, ClinGen allele CA414607438.